The following is an entry in ClinVar:

NM_000051.4(ATM):c.1035G>A (p.Leu345=)

Gene: ATM (ATM serine/threonine kinase; plus strand). Cytogenetic location: 11q22.3.
Variant type: single nucleotide variant.
Coding change: c.1035G>A on transcript NM_000051.4 (MANE Select); coding-DNA position 1035, G replaced by A.
Protein change: p.Leu345=; no amino-acid change (leucine 345 retained).
Molecular consequence: synonymous variant.
Genome position (GRCh38, 1-based): chr11:108,247,097, G>A. VCF-style: chr11-108247097-G-A. GRCh37 (hg19) VCF-style: chr11-108117824-G-A.
Other names: c.1035G>A, p.Leu345= (NM_001351834.2); c.1035G>A (NM_000051.3).
Identifiers: ClinVar variation 1656669 (VCV001656669.10), dbSNP rs2135268584, ClinGen allele CA476671570.

ClinVar aggregate classification (germline): Benign/Likely benign. Review status: criteria provided, multiple submitters, no conflicts (2 of 4 stars). 3 submissions from 3 submitters: Benign (1); Likely benign (2). Last evaluated 2026-01-03.

Conditions:
Ataxia-telangiectasia syndrome (AT). Also called: AT, COMPLEMENTATION GROUP C; ATAXIA-TELANGIECTASIA, COMPLEMENTATION GROUP A; ATAXIA-TELANGIECTASIA, FRESNO VARIANT; Ataxia-telangiectasia; Ataxia-telangiectasia, complementation group E; Ataxia telangiectasia (A-T). Identifiers: Orphanet 100, MedGen C0004135, MONDO:0008840, OMIM 208900.
Hereditary cancer-predisposing syndrome. Also called: Tumor predisposition; Hereditary Cancer Syndrome; Hereditary neoplastic syndrome; Neoplastic Syndromes, Hereditary. Identifiers: Orphanet 140162, MedGen C0027672, MeSH D009386, MONDO:0015356.
Familial cancer of breast. Also called: BREAST CANCER, FAMILIAL; Hereditary breast cancer; hereditary breast carcinoma. Identifiers: Orphanet 227535, MedGen C0346153, MONDO:0016419, OMIM 114480. Disease mechanism: loss of function.

Submissions (3):

Ambry Genetics
Classification: Likely benign for Hereditary cancer-predisposing syndrome. Last evaluated: 2026-01-03. Review status: criteria provided, single submitter. Criteria: Ambry Variant Classification Scheme 2023. Collection method: clinical testing. Allele origin: germline.

Myriad Genetics, Inc.
Classification: Benign for Familial cancer of breast. Last evaluated: 2024-04-24. Review status: criteria provided, single submitter. Criteria: Myriad Autosomal Dominant, Autosomal Recessive and X-Linked Classification Criteria (2023). Collection method: clinical testing. Allele origin: unknown.
Comment: This variant is considered benign. This variant is a silent/synonymous amino acid change and it is not expected to impact splicing.

Labcorp Genetics (formerly Invitae), Labcorp
Classification: Likely benign for Ataxia-telangiectasia syndrome. Last evaluated: 2020-11-28. Review status: criteria provided, single submitter. Criteria: Invitae Variant Classification Sherloc (09022015). Collection method: clinical testing. Allele origin: germline.